The following is an entry in ClinVar:

ClinVar aggregate classification (germline): not provided (0 of 4 stars; one submission).

Conditions:
Large for gestational age. Identifiers: MedGen C1848395, HP:0001520.

Submission:

Institute of Molecular and Cell Biology, University of Tartu
No classification provided. Condition: Large for gestational age. Review status: no classification provided. Collection method: case-control. Allele origin: unknown. Affected: yes. Study: Kasak2014.
Comment: The study aimed to determine the contribution of copy number variants in the genetic etiology of normal and complicated pregnancies. The samples represented (i) maternal blood DNA drawn from healthy pregnant women during 1st or 2nd trimester and (ii) maternal and paternal blood DNA drawn at term pregnancy cases representing normal and complicated gestations (severe preeclampsia, PE; gestational diabetes, GD; small-for-gestational age newborn, SGA; large-for-gestational age newborn, LGA). We performed CNV calling based on genome-wide genotyping dataset (Illumina HumanOmniExpress-24-v1 BeadChip) by applying three algorithms, QuantiSNP, GADA (Genome Alteration Detection Algorithm) and CNstream in parallel. The acquired CNV calls were merged with HD-CNV (Hotspot Detector for Copy Number Variants) program and only the CNVs predicted by at least two programs, were considered in subsequent analysis.

Literature cited by the submitters: PubMed 25666259.

Single allele

Genes: MNDA (myeloid cell nuclear differentiation antigen; plus strand), OR6N1 (olfactory receptor family 6 subfamily N member 1; minus strand). Cytogenetic location: 1q23.1.
Variant type: Deletion.
Identifiers: ClinVar variation 156759 (VCV000156759.2).